The following is an entry in ClinVar:

ClinVar aggregate classification (germline): Pathogenic (1 of 4 stars; one submission).

Submission:

GeneDx
Classification: Pathogenic. Last evaluated: 2015-06-09. Review status: criteria provided, single submitter. Criteria: GeneDx Variant Classification (06012015). Collection method: clinical testing. Allele origin: germline. Affected: yes.
Comment: The c.1122_1123delCA variant was not observed in approximately 6,500 individuals of European and African American ancestry in the NHLBI Exome Sequencing Project, indicating it is not a common benign variant in these populations. The c.1122_1123delCA variant in the PRKAR1A gene causes a frameshift starting with codon Asparagine 374, changes this amino acid to a Lysine residue and creates a Stop codon at position 52 of the new reading frame, denoted p.Asn374LysfsX52. This variant is predicted to cause the loss of the last 8 correctresidues which are replaced with 51 incorrect residues. Although this variant has not beenpreviously reported to our knowledge, we interpret it as pathogenic.

NM_002734.5(PRKAR1A):c.1122_1123del (p.Asn374fs)

Gene: PRKAR1A (protein kinase cAMP-dependent type I regulatory subunit alpha; plus strand). Cytogenetic location: 17q24.2.
Variant type: Deletion.
Coding change: c.1122_1123del on transcript NM_002734.5 (MANE Select); coding-DNA positions 1122 to 1123, 2 bases deleted (CA; older notation c.1122_1123delCA).
Protein change: p.Asn374fs; shifts the reading frame from asparagine 374.
Molecular consequence: frameshift variant. On other transcripts: intron variant (1).
Genome position (GRCh38, 1-based): chr17:68,530,425-68,530,426, CA deleted; deleting any 2 consecutive bases within chr17:68,530,424-68,530,426 gives the same sequence; the c. name uses the placement nearest the transcript's 3' end. VCF-style (leftmost placement, unchanged base first): chr17-68530423-AAC-A. GRCh37 (hg19) VCF-style: chr17-66526564-AAC-A.
Other names: c.1122_1123del, p.Asn374fs (NM_001276289.2, NM_001278433.2, NM_001369389.1 and 3 more transcripts); c.973+424_973+425del (NM_001276290.1); short protein forms N374fs.
Identifiers: ClinVar variation 372476 (VCV000372476.2), dbSNP rs1057517806, ClinGen allele CA16043001.
Genomic context (GRCh38, chr17:68,530,423, plus strand): 5'-AGATTTGAACGTGTTCTTGGCCCATGCTCAGACATCCTCAAACGAAACATCCAGCAGTAC[AAC>A]AGTTTTGTGTCACTGTCTGTCTGAAATCTGCCTCCTGTGCCTCCCTTTTCTCCTCTCCCC-3'